The following is an entry in ClinVar:

NM_002529.4(NTRK1):c.865C>A (p.Gln289Lys)

Gene: NTRK1 (neurotrophic receptor tyrosine kinase 1; plus strand). Cytogenetic location: 1q23.1.
Variant type: single nucleotide variant.
Coding change: c.865C>A on transcript NM_002529.4 (MANE Select); coding-DNA position 865, C replaced by A.
Protein change: p.Gln289Lys; replaces glutamine 289 with lysine.
Molecular consequence: missense variant.
Genome position (GRCh38, 1-based): chr1:156,873,647, C>A. VCF-style: chr1-156873647-C-A. GRCh37 (hg19) VCF-style: chr1-156843439-C-A.
Other names: p.Gln289Lys; c.775C>A, p.Gln259Lys (NM_001007792.1); c.865C>A, p.Gln289Lys (NM_001012331.2); short protein forms Q259K, Q289K.
Identifiers: ClinVar variation 245652 (VCV000245652.71), dbSNP rs137979116, ClinGen allele CA1169134.

ClinVar aggregate classification (germline): Conflicting classifications of pathogenicity. Review status: criteria provided, conflicting classifications (1 of 4 stars). 13 submissions from 13 submitters: Uncertain significance (4); Likely benign (7). 2 of the submissions do not count toward it. Last evaluated 2026-09-01.

Conditions:
Hereditary cancer. Identifiers: MedGen C1333600.
NTRK1-related disorder. Also called: NTRK1-related condition.
Inborn genetic diseases. Identifiers: MedGen C0950123, MeSH D030342.
Hereditary insensitivity to pain with anhidrosis (CIPA). Also called: NTRK1 Congenital Insensitivity to Pain with Anhidrosis; hereditary sensory and autonomic neuropathy type 4; INSENSITIVITY TO PAIN, CONGENITAL, WITH ANHIDROSIS; NEUROPATHY, CONGENITAL SENSORY, WITH ANHIDROSIS; FAMILIAL DYSAUTONOMIA, TYPE II; HSAN Type IV. Identifiers: Orphanet 642, MedGen C0020074, MONDO:0009746, OMIM 256800.

Allele frequency attached by ClinVar (database versions not stated): 1000 Genomes Project 0.00040; 1000 Genomes Project 30x 0.00062; gnomAD exomes 0.00088 and 0.00138; ExAC 0.00092; TOPMed 0.00105; gnomAD 0.00115 and 0.00118; ESP Exome Variant Server 0.00132.
gnomAD v4.1: 2,159 of 1,610,930 alleles (0.13%); highest among the groups gnomAD compares: Non-Finnish European, 0.17%; 3 homozygotes.

Submissions (13):

CeGaT Center for Human Genetics Tuebingen
Classification: Likely benign. Last evaluated: 2026-09-01. Review status: criteria provided, single submitter. Criteria: CeGaT Center For Human Genetics Tuebingen Variant Classification Criteria Version 2. Collection method: clinical testing. Allele origin: germline. Affected: yes. Observed: 3 variant alleles.
Comment: NTRK1: BS2

Women's Health and Genetics/Laboratory Corporation of America, LabCorp
Classification: Uncertain significance. Last evaluated: 2026-03-05. Review status: criteria provided, single submitter. Criteria: LabCorp Variant Classification Summary - May 2015. Collection method: clinical testing. Allele origin: germline.
Comment: Variant summary: NTRK1 c.865C>A (p.Gln289Lys) results in a conservative amino acid change in the encoded protein sequence. Algorithms developed to predict the effect of missense changes on protein structure and function all suggest that this variant is likely to be tolerated. The variant allele was found at a frequency of 0.00088 in 243374 control chromosomes. This frequency is not significantly higher than estimated for disease-causing variants in NTRK1, allowing no conclusion about variant significance. To our knowledge, no occurrence of c.865C>A in individuals affected with NTRK1-related conditions and no experimental evidence demonstrating its impact on protein function have been reported. ClinVar contains an entry for this variant (Variation ID: 245652). Based on the evidence outlined above, the variant was classified as uncertain significance.

Labcorp Genetics (formerly Invitae), Labcorp
Classification: Likely benign for Hereditary insensitivity to pain with anhidrosis. Last evaluated: 2026-02-03. Review status: criteria provided, single submitter. Criteria: Invitae Variant Classification Sherloc (09022015). Collection method: clinical testing. Allele origin: germline.

Mayo Clinic Laboratories, Mayo Clinic
Classification: Likely benign. Last evaluated: 2025-11-25. Review status: criteria provided, single submitter. Criteria: ACMG Guidelines, 2015. Collection method: clinical testing. Allele origin: germline. Observed: 8 variant alleles.
Comment: BS1, BP4_moderate

Blueprint Genetics
Classification: Likely benign. Last evaluated: 2024-11-20. Review status: criteria provided, single submitter. Criteria: ACMG Guidelines, 2015. Collection method: clinical testing. Allele origin: germline.

ARUP Laboratories, Molecular Genetics and Genomics, ARUP Laboratories
Classification: Uncertain significance for Hereditary insensitivity to pain with anhidrosis. Last evaluated: 2024-02-23. Review status: criteria provided, single submitter. Criteria: ARUP Molecular Germline Variant Investigation Process 2024. Collection method: clinical testing. Allele origin: germline.
Comment: The NTRK1 c.865C>A; p.Gln289Lys variant (rs137979116), to our knowledge, is not reported in the medical literature but is reported in ClinVar (Variation ID: 245652). This variant is found in the non-Finnish European population with an allele frequency of 0.2% (227/124,316 alleles, including 1 homozygote) in the Genome Aggregation Database. The glutamine at codon 289 is moderately conserved, and computational analyses predict that this variant is neutral (REVEL: 0.077). However, given the lack of clinical and functional data, the significance of the p.Gln289Lys variant is uncertain at this time.

Mendelics
Classification: Likely benign for Hereditary cancer. Last evaluated: 2024-01-23. Review status: criteria provided, single submitter. Criteria: ACMG Guidelines, 2015. Collection method: clinical testing. Allele origin: unknown.

Ambry Genetics
Classification: Uncertain significance for Inborn genetic diseases. Last evaluated: 2021-09-08. Review status: criteria provided, single submitter. Criteria: Ambry Variant Classification Scheme 2023. Collection method: clinical testing. Allele origin: germline.
Comment: The p.Q289K variant (also known as c.865C>A), located in coding exon 8 of the NTRK1 gene, results from a C to A substitution at nucleotide position 865. The glutamine at codon 289 is replaced by lysine, an amino acid with similar properties. This amino acid position is poorly conserved in available vertebrate species. In addition, this alteration is predicted to be tolerated by in silico analysis. Since supporting evidence is limited at this time, the clinical significance of this alteration remains unclear.

Athena Diagnostics
Classification: Likely benign. Last evaluated: 2021-03-31. Review status: criteria provided, single submitter. Criteria: Athena Diagnostics criteria. Collection method: clinical testing. Allele origin: unknown.

GeneDx
Classification: Likely benign. Last evaluated: 2020-12-21. Review status: criteria provided, single submitter. Criteria: GeneDx Variant Classification Process June 2021. Collection method: clinical testing. Allele origin: germline. Affected: yes.
Comment: In silico analysis supports that this missense variant does not alter protein structure/function

Illumina Laboratory Services, Illumina
Classification: Uncertain significance for Hereditary insensitivity to pain with anhidrosis. Last evaluated: 2018-01-12. Review status: criteria provided, single submitter. Criteria: ICSL Variant Classification Criteria 13 December 2019. Collection method: clinical testing. Allele origin: germline.

PreventionGenetics, part of Exact Sciences
Classification: Likely benign for NTRK1-related condition. Last evaluated: 2022-05-09. Review status: no assertion criteria provided. Collection method: clinical testing. Allele origin: germline. Not counted in ClinVar's aggregate classification.
Comment: This variant is classified as likely benign based on ACMG/AMP sequence variant interpretation guidelines (Richards et al. 2015 PMID: 25741868, with internal and published modifications).

Natera, Inc.
Classification: Likely benign for Hereditary insensitivity to pain with anhidrosis. Last evaluated: 2020-04-17. Review status: no assertion criteria provided. Collection method: clinical testing. Allele origin: germline. Not counted in ClinVar's aggregate classification.

Literature cited by the submitters: PubMed 32807182 (cited by Athena Diagnostics).